The following is an entry in ClinVar:

ClinVar aggregate classification (germline): Benign/Likely benign. Review status: criteria provided, multiple submitters, no conflicts (2 of 4 stars). 3 submissions from 3 submitters: Benign (1); Likely benign (2). Last evaluated 2025-11-06.

Conditions:
RASopathy. Also called: rasopathies; Noonan spectrum disorder. Identifiers: Orphanet 536391, MedGen C5555857, MONDO:0021060.

Allele frequency attached by ClinVar (database versions not stated): TOPMed 0.00002; gnomAD 0.00003; gnomAD exomes 0.00003 and 0.00010; ExAC 0.00011.
gnomAD v4.1: 49 of 1,587,654 alleles (0.0031%); highest among the groups gnomAD compares: East Asian, 0.02%; no homozygotes.

Submissions (3):

Labcorp Genetics (formerly Invitae), Labcorp
Classification: Likely benign for RASopathy. Last evaluated: 2025-11-06. Review status: criteria provided, single submitter. Criteria: Invitae Variant Classification Sherloc (09022015). Collection method: clinical testing. Allele origin: germline.

Blueprint Genetics
Classification: Likely benign. Last evaluated: 2023-12-12. Review status: criteria provided, single submitter. Criteria: ACMG Guidelines, 2015. Collection method: clinical testing. Allele origin: germline.

Women's Health and Genetics/Laboratory Corporation of America, LabCorp
Classification: Benign. Last evaluated: 2023-05-01. Review status: criteria provided, single submitter. Criteria: LabCorp Variant Classification Summary - May 2015. Collection method: clinical testing. Allele origin: germline.
Comment: Variant summary: BRAF c.608+18C>T alters a non-conserved nucleotide located close to a canonical splice site and therefore could affect mRNA splicing, leading to a significantly altered protein sequence. 4/4 computational tools predict no significant impact on normal splicing. However, these predictions have yet to be confirmed by functional studies. The variant allele was found at a frequency of 9.6e-05 in 250454 control chromosomes (gnomAD). The observed variant frequency is approximately 20 fold of the estimated maximal expected allele frequency for a pathogenic variant in BRAF causing Cardiofaciocutaneous Syndrome phenotype (4.7e-06), strongly suggesting that the variant is benign. To our knowledge, no occurrence of c.608+18C>T in individuals affected with Cardiofaciocutaneous Syndrome and no experimental evidence demonstrating its impact on protein function have been reported. One ClinVar submitter has assessed the variant since 2014: the variant was classified as likely benign. Based on the evidence outlined above, the variant was classified as benign.

NM_004333.6(BRAF):c.608+18C>T

Gene: BRAF (B-Raf proto-oncogene, serine/threonine kinase; minus strand). Cytogenetic location: 7q34.
Variant type: single nucleotide variant.
Coding change: c.608+18C>T on transcript NM_004333.6 (MANE Select); 18 bases into the intron after coding-DNA position 608, C replaced by T.
Molecular consequence: intron variant.
Genome position (GRCh38, 1-based): chr7:140,808,874, G>A on the plus strand (C>T on the coding strand, the complement: BRAF is on the minus strand). VCF-style: chr7-140808874-G-A. GRCh37 (hg19) VCF-style: chr7-140508674-G-A.
Other names: c.608+18C>T (NM_001378474.1, NM_001378471.1, NM_001378468.1 and 5 more transcripts); c.506+18C>T (NM_001378470.1); c.344+18C>T (NM_001378475.1); c.617+9C>T (NM_001378467.1); c.452+18C>T (NM_001378472.1, NM_001378473.1).
Identifiers: ClinVar variation 1609371 (VCV001609371.10), dbSNP rs764984248, ClinGen allele CA4516940.